The following is an entry in ClinVar:

NM_015978.3(TNNI3K):c.250A>G (p.Ile84Val)

Genes: FPGT-TNNI3K (FPGT-TNNI3K readthrough; plus strand), TNNI3K (TNNI3 interacting kinase; plus strand). Cytogenetic location: 1p31.1.
Variant type: single nucleotide variant.
Coding change: c.250A>G on transcript NM_015978.3 (MANE Select); coding-DNA position 250, A replaced by G.
Protein change: p.Ile84Val; replaces isoleucine 84 with valine.
Molecular consequence: missense variant.
Genome position (GRCh38, 1-based): chr1:74,250,686, A>G. VCF-style: chr1-74250686-A-G. GRCh37 (hg19) VCF-style: chr1-74716370-A-G.
Other names: c.553A>G, p.Ile185Val (NM_001112808.3, NM_001199327.2); short protein forms I84V, I185V.
Identifiers: ClinVar variation 1445829 (VCV001445829.25), dbSNP rs757956610, ClinGen allele CA908835.

ClinVar aggregate classification (germline): Uncertain significance. Review status: criteria provided, multiple submitters, no conflicts (2 of 4 stars). 2 submissions from 2 submitters: Uncertain significance (2). Last evaluated 2024-10-13.

Allele frequency attached by ClinVar (database versions not stated): gnomAD exomes below 0.00001 and 0.00001; ExAC 0.00001; gnomAD 0.00001; TOPMed 0.00001.
gnomAD v4.1: 17 of 1,610,894 alleles (0.0011%); highest among the groups gnomAD compares: Non-Finnish European, 0.0014%; no homozygotes.

Submissions (2):

Labcorp Genetics (formerly Invitae), Labcorp
Classification: Uncertain significance. Last evaluated: 2024-10-13. Review status: criteria provided, single submitter. Criteria: Invitae Variant Classification Sherloc (09022015). Collection method: clinical testing. Allele origin: germline.
Comment: This sequence change replaces isoleucine, which is neutral and non-polar, with valine, which is neutral and non-polar, at codon 84 of the TNNI3K protein (p.Ile84Val). This variant is present in population databases (rs757956610, gnomAD 0.003%). This variant has not been reported in the literature in individuals affected with TNNI3K-related conditions. ClinVar contains an entry for this variant (Variation ID: 1445829). Invitae Evidence Modeling of protein sequence and biophysical properties (such as structural, functional, and spatial information, amino acid conservation, physicochemical variation, residue mobility, and thermodynamic stability) indicates that this missense variant is not expected to disrupt TNNI3K protein function with a negative predictive value of 80%. In summary, the available evidence is currently insufficient to determine the role of this variant in disease. Therefore, it has been classified as a Variant of Uncertain Significance.

CeGaT Center for Human Genetics Tuebingen
Classification: Uncertain significance. Last evaluated: 2024-07-01. Review status: criteria provided, single submitter. Criteria: CeGaT Center For Human Genetics Tuebingen Variant Classification Criteria Version 2. Collection method: clinical testing. Allele origin: germline. Affected: yes. Observed: 1 variant allele.
Comment: TNNI3K: PM2:Supporting, BP4